The following is an entry in ClinVar:

ClinVar aggregate classification (germline): Uncertain significance (1 of 4 stars; one submission).

Allele frequency attached by ClinVar (database versions not stated): gnomAD exomes below 0.00001.
gnomAD v4.1: 1 of 1,613,630 alleles (0.000062%); highest among the groups gnomAD compares: Non-Finnish European, 0.000085%; no homozygotes.

Submission:

Labcorp Genetics (formerly Invitae), Labcorp
Classification: Uncertain significance. Last evaluated: 2024-01-21. Review status: criteria provided, single submitter. Criteria: Invitae Variant Classification Sherloc (09022015). Collection method: clinical testing. Allele origin: germline.
Comment: This sequence change replaces arginine, which is basic and polar, with histidine, which is basic and polar, at codon 156 of the TGFB1 protein (p.Arg156His). This variant is not present in population databases (gnomAD no frequency). This variant has not been reported in the literature in individuals affected with TGFB1-related conditions. Advanced modeling of protein sequence and biophysical properties (such as structural, functional, and spatial information, amino acid conservation, physicochemical variation, residue mobility, and thermodynamic stability) performed at Invitae indicates that this missense variant is not expected to disrupt TGFB1 protein function with a negative predictive value of 80%. This variant disrupts the p.Arg156 amino acid residue in TGFB1. Other variant(s) that disrupt this residue have been determined to be pathogenic (PMID: 11260231, 15894597, 19584867, 23453470, 31899347). This suggests that this residue is clinically significant, and that variants that disrupt this residue are likely to be disease-causing. In summary, the available evidence is currently insufficient to determine the role of this variant in disease. Therefore, it has been classified as a Variant of Uncertain Significance.

Literature cited by the submitters: PubMed 11260231; PubMed 15894597; PubMed 19584867; PubMed 23453470; PubMed 31899347.

NM_000660.7(TGFB1):c.467G>A (p.Arg156His)

Gene: TGFB1 (transforming growth factor beta 1; minus strand). Cytogenetic location: 19q13.2.
Variant type: single nucleotide variant.
Coding change: c.467G>A on transcript NM_000660.7 (MANE Select); coding-DNA position 467, G replaced by A.
Protein change: p.Arg156His; replaces arginine 156 with histidine.
Molecular consequence: missense variant.
Genome position (GRCh38, 1-based): chr19:41,348,344, C>T on the plus strand (G>A on the coding strand, the complement: TGFB1 is on the minus strand). VCF-style: chr19-41348344-C-T. GRCh37 (hg19) VCF-style: chr19-41854249-C-T.
Other names: short protein forms R156H.
Identifiers: ClinVar variation 2802576 (VCV002802576.3), dbSNP rs2513386902, ClinGen allele CA406003603.